The following is an entry in ClinVar:

ClinVar aggregate classification (germline): Uncertain significance (1 of 4 stars; one submission).

Conditions:
Hereditary cancer-predisposing syndrome. Also called: Neoplastic Syndromes, Hereditary; Tumor predisposition; Hereditary neoplastic syndrome; Hereditary Cancer Syndrome. Identifiers: Orphanet 140162, MedGen C0027672, MeSH D009386, MONDO:0015356.
Cardiovascular phenotype. Identifiers: MedGen CN230736.

Submission:

Ambry Genetics
Classification: Uncertain significance for Cardiovascular phenotype; Hereditary cancer-predisposing syndrome. Last evaluated: 2024-02-09. Review status: criteria provided, single submitter. Criteria: Ambry Variant Classification Scheme 2023. Collection method: clinical testing. Allele origin: germline.
Comment: The p.M2192L variant (also known as c.6574A>T), located in coding exon 42 of the NF1 gene, results from an A to T substitution at nucleotide position 6574. The methionine at codon 2192 is replaced by leucine, an amino acid with highly similar properties. This amino acid position is highly conserved in available vertebrate species. In addition, the in silico prediction for this alteration is inconclusive. Based on the available evidence, the clinical significance of this alteration remains unclear.

NM_001042492.3(NF1):c.6637A>T (p.Met2213Leu)

Gene: NF1 (neurofibromin 1; plus strand). Cytogenetic location: 17q11.2.
Variant type: single nucleotide variant.
Coding change: c.6637A>T on transcript NM_001042492.3 (MANE Select); coding-DNA position 6637, A replaced by T.
Protein change: p.Met2213Leu; replaces methionine 2213 with leucine.
Molecular consequence: missense variant.
Genome position (GRCh38, 1-based): chr17:31,337,577, A>T. VCF-style: chr17-31337577-A-T. GRCh37 (hg19) VCF-style: chr17-29664595-A-T.
Other names: c.6574A>T, p.Met2192Leu (NM_000267.4); short protein forms M2192L, M2213L.
Identifiers: ClinVar variation 3237891 (VCV003237891.1), dbSNP rs864622330.